The following is an entry in ClinVar:

ClinVar aggregate classification (germline): Conflicting classifications of pathogenicity. Review status: criteria provided, conflicting classifications (1 of 4 stars). 6 submissions from 6 submitters: Uncertain significance (4); Likely benign (2). Last evaluated 2026-03-31.

Conditions:
Heterotopia, periventricular, X-linked dominant (PVNH1). Also called: X-linked periventricular heterotopia; PERIVENTRICULAR NODULAR HETEROTOPIA 4; HETEROTOPIA, PERIVENTRICULAR, 1; PERIVENTRICULAR NODULAR HETEROTOPIA 1. Identifiers: Orphanet 2149, Orphanet 82004, MedGen C1848213, MONDO:0010233, OMIM 300049.
Frontometaphyseal dysplasia (FMD1). Identifiers: Orphanet 1826, MedGen C0265293, MONDO:0015942.
Oto-palato-digital syndrome, type II (OPD2). Also called: Otopalatodigital Syndrome, Type II; Otopalatodigital Syndrome Type 2 (FLNA-OPD2); FACIOPALATOOSSEOUS SYNDROME; OPD II SYNDROME. Identifiers: Orphanet 669, Orphanet 90652, MedGen C1844696, MONDO:0010571, OMIM 304120.
Melnick-Needles syndrome (MNS). Also called: Melnick-Needles Syndrome (FLNA-MNS); MELNICK-NEEDLES OSTEODYSPLASTY; OSTEODYSPLASTY OF MELNICK AND NEEDLES. Identifiers: Orphanet 2484, MedGen C0025237, MONDO:0010650, OMIM 309350.
FLNA-related disorder.
Familial thoracic aortic aneurysm and aortic dissection (TAAD). Also called: Thoracic aortic aneurysms and dissections. Identifiers: Orphanet 91387, MedGen C4707243, MONDO:0019625.

Allele frequency attached by ClinVar (database versions not stated): gnomAD 0.00001; ExAC 0.00005; gnomAD exomes 0.00005; TOPMed 0.00005.
gnomAD v4.1: 12 of 1,210,611 alleles (0.00099%); highest among the groups gnomAD compares: Admixed American, 0.026%; no homozygotes.

Submissions (6):

PreventionGenetics, part of Exact Sciences
Classification: Uncertain significance for FLNA-related condition. Last evaluated: 2026-03-31. Review status: criteria provided, single submitter. Criteria: ACMG Guidelines, 2015. Collection method: clinical testing. Allele origin: germline.
Comment: The FLNA c.1124A>G variant is predicted to result in the amino acid substitution p.Asp375Gly. To our knowledge, this variant has not been reported in the literature. This variant is reported in 0.036% of alleles in individuals of Latino descent in gnomAD, including 2 hemizygotes. Although we suspect that this variant may be benign, at this time, the clinical significance of this variant is uncertain due to the absence of conclusive functional and genetic evidence.

CeGaT Center for Human Genetics Tuebingen
Classification: Likely benign. Last evaluated: 2026-03-01. Review status: criteria provided, single submitter. Criteria: CeGaT Center For Human Genetics Tuebingen Variant Classification Criteria Version 2. Collection method: clinical testing. Allele origin: germline. Affected: yes. Observed: 1 variant allele.
Comment: FLNA: BS2

Labcorp Genetics (formerly Invitae), Labcorp
Classification: Likely benign for Oto-palato-digital syndrome, type II; Heterotopia, periventricular, X-linked dominant; Frontometaphyseal dysplasia; Melnick-Needles syndrome. Last evaluated: 2025-09-17. Review status: criteria provided, single submitter. Criteria: Invitae Variant Classification Sherloc (09022015). Collection method: clinical testing. Allele origin: germline.

Women's Health and Genetics/Laboratory Corporation of America, LabCorp
Classification: Uncertain significance. Last evaluated: 2025-03-28. Review status: criteria provided, single submitter. Criteria: LabCorp Variant Classification Summary - May 2015. Collection method: clinical testing. Allele origin: germline.

Ambry Genetics
Classification: Uncertain significance for Familial thoracic aortic aneurysm and aortic dissection. Last evaluated: 2025-03-04. Review status: criteria provided, single submitter. Criteria: Ambry Variant Classification Scheme 2023. Collection method: clinical testing. Allele origin: germline.
Comment: The p.D375G variant (also known as c.1124A>G), located in coding exon 7 of the FLNA gene, results from an A to G substitution at nucleotide position 1124. The aspartic acid at codon 375 is replaced by glycine, an amino acid with similar properties. Based on data from gnomAD, the G allele has an overall frequency of 0.0049% (10/203330) total alleles studied, with 2 hemizygote(s) observed. The highest observed frequency was 0.0357%% (10/27989) of Latino alleles. This amino acid position is not well conserved in available vertebrate species. In addition, this alteration is predicted to be tolerated by in silico analysis. Based on the available evidence, the clinical significance of this variant remains unclear.

Revvity Omics, Revvity
Classification: Uncertain significance. Last evaluated: 2022-03-17. Review status: criteria provided, single submitter. Criteria: ACMG Guidelines, 2015. Collection method: clinical testing. Allele origin: germline.

NM_001110556.2(FLNA):c.1124A>G (p.Asp375Gly)

Gene: FLNA (filamin A; minus strand). Cytogenetic location: Xq28.
Variant type: single nucleotide variant.
Coding change: c.1124A>G on transcript NM_001110556.2 (MANE Select); coding-DNA position 1124, A replaced by G.
Protein change: p.Asp375Gly; replaces aspartic acid 375 with glycine.
Molecular consequence: missense variant.
Genome position (GRCh38, 1-based): chrX:154,366,412, T>C on the plus strand (A>G on the coding strand, the complement: FLNA is on the minus strand). VCF-style: chrX-154366412-T-C. GRCh37 (hg19) VCF-style: chrX-153594780-T-C.
Other names: c.1124A>G (NM_001456.3, NM_001110556.1); c.1124A>G, p.Asp375Gly (NM_001456.4); short protein forms D375G.
Identifiers: ClinVar variation 1112755 (VCV001112755.18), dbSNP rs782331362, ClinGen allele CA10561252.